The following is an entry in ClinVar:

ClinVar aggregate classification (germline): Uncertain significance. Review status: criteria provided, multiple submitters, no conflicts (2 of 4 stars). 2 submissions from 2 submitters: Uncertain significance (2). Last evaluated 2022-01-27.

Conditions:
Myopathy, myofibrillar, 9, with early respiratory failure (MFM9). Also called: EDSTROM MYOPATHY; MYOPATHY, PROXIMAL, WITH EARLY RESPIRATORY MUSCLE INVOLVEMENT; Myopathy, distal, with early respiratory failure, autosomal dominant; Hereditary myopathy with early respiratory failure. Identifiers: Orphanet 178464, Orphanet 34521, MedGen C1863599, MONDO:0011362, OMIM 603689.
Early-onset myopathy with fatal cardiomyopathy (CMYO5). Also called: CONGENITAL MYOPATHY 5 WITH CARDIOMYOPATHY; Salih Myopathy. Identifiers: Orphanet 289377, MedGen C2673677, MONDO:0012714, OMIM 611705. Disease mechanism: loss of function.
Hypertrophic cardiomyopathy 9. Also called: Familial hypertrophic cardiomyopathy 9. Identifiers: MedGen C1861065, MONDO:0013412, OMIM 613765.
Dilated cardiomyopathy 1G (CMD1G). Identifiers: Orphanet 154, MedGen C1858763, MONDO:0011400, OMIM 604145.
Tibial muscular dystrophy (TMD). Also called: UDD MYOPATHY; Tibial muscular dystrophy, tardive; Udd Distal Myopathy – Tibial Muscular Dystrophy. Identifiers: Orphanet 609, MedGen C1838244, MONDO:0010870, OMIM 600334.
Autosomal recessive limb-girdle muscular dystrophy type 2J (LGMDR10). Also called: MUSCULAR DYSTROPHY, LIMB-GIRDLE, AUTOSOMAL RECESSIVE 10; Limb-girdle muscular dystrophy, type 2J. Identifiers: Orphanet 140922, MedGen C1837342, MONDO:0012127, OMIM 608807.

Allele frequency attached by ClinVar (database versions not stated): gnomAD exomes below 0.00001; TOPMed 0.00006.
gnomAD v4.1: 10 of 1,604,132 alleles (0.00062%); highest among the groups gnomAD compares: African/African-American, 0.012%; no homozygotes.

Submissions (2):

GeneDx
Classification: Uncertain significance. Last evaluated: 2022-01-27. Review status: criteria provided, single submitter. Criteria: GeneDx Variant Classification Process June 2021. Collection method: clinical testing. Allele origin: germline. Affected: yes.
Comment: Not observed at significant frequency in large population cohorts (gnomAD); Missense variant in a gene in which most reported pathogenic variants are truncating/loss-of-function; Has not been previously published as pathogenic or benign to our knowledge

Fulgent Genetics
Classification: Uncertain significance for Tibial muscular dystrophy; Myopathy, myofibrillar, 9, with early respiratory failure; Dilated cardiomyopathy 1G; Autosomal recessive limb-girdle muscular dystrophy type 2J; Early-onset myopathy with fatal cardiomyopathy; Hypertrophic cardiomyopathy 9. Last evaluated: 2021-10-09. Review status: criteria provided, single submitter. Criteria: ACMG Guidelines, 2015. Collection method: clinical testing. Allele origin: unknown.

NM_001267550.2(TTN):c.25699A>G (p.Thr8567Ala)

Gene: TTN (titin; minus strand). Cytogenetic location: 2q31.2.
Variant type: single nucleotide variant.
Coding change: c.25699A>G on transcript NM_001267550.2 (MANE Select); coding-DNA position 25699, A replaced by G.
Protein change: p.Thr8567Ala; replaces threonine 8567 with alanine.
Molecular consequence: missense variant. On other transcripts: intron variant (3).
Genome position (GRCh38, 1-based): chr2:178,715,715, T>C on the plus strand (A>G on the coding strand, the complement: TTN is on the minus strand). VCF-style: chr2-178715715-T-C. GRCh37 (hg19) VCF-style: chr2-179580442-T-C.
Other names: p.T8250A:ACA>GCA; c.24748A>G, p.Thr8250Ala (NM_001256850.1); c.21967A>G, p.Thr7323Ala (NM_133378.4); c.13282+22367A>G (NM_003319.4); c.13858+22367A>G (NM_133437.4); c.13657+22367A>G (NM_133432.3); c.25699A>G (NM_001267550.1); short protein forms T8250A, T8567A, T7323A.
Identifiers: ClinVar variation 203339 (VCV000203339.6), dbSNP rs777832511, ClinGen allele CA312085.